The following is an entry in ClinVar:

NM_014000.3(VCL):c.1961A>G (p.Asn654Ser)

Gene: VCL (vinculin; plus strand). Cytogenetic location: 10q22.2.
Variant type: single nucleotide variant.
Coding change: c.1961A>G on transcript NM_014000.3 (MANE Select); coding-DNA position 1961, A replaced by G.
Protein change: p.Asn654Ser; replaces asparagine 654 with serine.
Molecular consequence: missense variant.
Genome position (GRCh38, 1-based): chr10:74,101,036, A>G. VCF-style: chr10-74101036-A-G. GRCh37 (hg19) VCF-style: chr10-75860794-A-G.
Other names: c.1961A>G, p.Asn654Ser (NM_003373.4); short protein forms N654S.
Identifiers: ClinVar variation 655099 (VCV000655099.7), dbSNP rs1591709946, ClinGen allele CA377260712.

ClinVar aggregate classification (germline): Uncertain significance (1 of 4 stars; one submission).

Conditions:
Dilated cardiomyopathy 1W (CMD1W). Identifiers: Orphanet 154, MedGen C1969639, MONDO:0012667, OMIM 611407.

Submission:

Labcorp Genetics (formerly Invitae), Labcorp
Classification: Uncertain significance for Dilated cardiomyopathy 1W. Last evaluated: 2023-07-07. Review status: criteria provided, single submitter. Criteria: Invitae Variant Classification Sherloc (09022015). Collection method: clinical testing. Allele origin: germline.
Comment: This sequence change replaces asparagine, which is neutral and polar, with serine, which is neutral and polar, at codon 654 of the VCL protein (p.Asn654Ser). This variant is not present in population databases (gnomAD no frequency). This variant has not been reported in the literature in individuals affected with VCL-related conditions. ClinVar contains an entry for this variant (Variation ID: 655099). An algorithm developed to predict the effect of missense changes on protein structure and function (PolyPhen-2) suggests that this variant is likely to be disruptive. In summary, the available evidence is currently insufficient to determine the role of this variant in disease. Therefore, it has been classified as a Variant of Uncertain Significance.